The following is an entry in ClinVar:

NM_004999.4(MYO6):c.3844A>G (p.Ser1282Gly)

Gene: MYO6 (myosin VI; plus strand). Cytogenetic location: 6q14.1.
Variant type: single nucleotide variant.
Coding change: c.3844A>G on transcript NM_004999.4 (MANE Select); coding-DNA position 3844, A replaced by G.
Protein change: p.Ser1282Gly; replaces serine 1282 with glycine.
Molecular consequence: missense variant. On other transcripts: non-coding transcript variant (1).
Genome position (GRCh38, 1-based): chr6:75,914,998, A>G. VCF-style: chr6-75914998-A-G. GRCh37 (hg19) VCF-style: chr6-76624715-A-G.
Other names: c.3775A>G, p.Ser1259Gly (NM_001300899.2); c.3748A>G, p.Ser1250Gly (NM_001368136.1); c.3805A>G, p.Ser1269Gly (NM_001368137.1); c.3760A>G, p.Ser1254Gly (NM_001368138.1); c.3871A>G, p.Ser1291Gly (NM_001368865.1); c.3844A>G, p.Ser1282Gly (NM_001368866.1); short protein forms S1250G, S1254G, S1259G, S1269G, S1282G, S1291G.
Identifiers: ClinVar variation 3573490 (VCV003573490.1).
Genomic context (GRCh38, chr6:75,914,998, plus strand): 5'-CTTCAGAATGCGATTGAGAGCAGACAGGCTCGGCCCACCTATGCAACAGCCATGCTGCAG[A>G]GTCTGTTAAAGTAGATGTTGCACACCAGCCTTACAGCTGGGAGCCTTTGCCATGGTACTT-3'
Protein context (NP_004990.3, residues 1272-1285): RPTYATAMLQ[Ser1282Gly]LLK

ClinVar aggregate classification (germline): Uncertain significance (1 of 4 stars; one submission).

gnomAD v4.1: 47 of 1,612,560 alleles (0.0029%); highest among the groups gnomAD compares: Non-Finnish European, 0.0028%; no homozygotes.

Submission:

GeneDx
Classification: Uncertain significance. Last evaluated: 2024-07-18. Review status: criteria provided, single submitter. Criteria: GeneDx Variant Classification Process June 2021. Collection method: clinical testing. Allele origin: germline. Affected: yes.
Comment: In silico analysis indicates that this missense variant does not alter protein structure/function; Has not been previously published as pathogenic or benign to our knowledge